The following is an entry in ClinVar:

NM_016042.4(EXOSC3):c.404_407del (p.Gly135fs)

Gene: EXOSC3 (exosome component 3; minus strand). Cytogenetic location: 9p13.2.
Variant type: Microsatellite.
Coding change: c.404_407del on transcript NM_016042.4 (MANE Select); coding-DNA positions 404 to 407, 4 bases deleted (GGAG; older notation c.404_407delGGAG).
Protein change: p.Gly135fs; shifts the reading frame from glycine 135.
Molecular consequence: frameshift variant.
Genome position (GRCh38, 1-based): chr9:37,783,981-37,783,984, CTCC deleted on the plus strand (GGAG on the coding strand, the reverse complement: EXOSC3 is on the minus strand); deleting any 4 consecutive bases within chr9:37,783,981-37,783,988 gives the same sequence; the c. name uses the placement nearest the transcript's 3' end. VCF-style (leftmost placement, unchanged base first): chr9-37783980-ACTCC-A. GRCh37 (hg19) VCF-style: chr9-37783977-ACTCC-A.
Other names: c.404_407del, p.Gly135fs (NM_001002269.2); short protein forms G135fs.
Identifiers: ClinVar variation 1525013 (VCV001525013.6), dbSNP rs2118980158, ClinGen allele CA2580616203.
Genomic context (GRCh38, chr9:37,783,980, plus strand): 5'-ATTTGGTCTGTTTCTTTTAGTTGCACCTTCAAATGACAAGTAAGACAAAGAAGCTGGCTC[ACTCC>A]CTCCAACATCAACTTTGAATATATCTCCAGATTTAGCTGTCACTATGCCAATCACATGGT-3'

ClinVar aggregate classification (germline): Pathogenic (1 of 4 stars; one submission).

Conditions:
Pontocerebellar hypoplasia type 1B. Also called: EXOSC3 Pontocerebellar Hypoplasia. Identifiers: Orphanet 2254, MedGen C3553449, MONDO:0013853, OMIM 614678.

Submission:

Labcorp Genetics (formerly Invitae), Labcorp
Classification: Pathogenic for Pontocerebellar hypoplasia type 1B. Last evaluated: 2022-10-28. Review status: criteria provided, single submitter. Criteria: Invitae Variant Classification Sherloc (09022015). Collection method: clinical testing. Allele origin: germline.
Comment: For these reasons, this variant has been classified as Pathogenic. This variant disrupts a region of the EXOSC3 protein in which other variant(s) (p.Gly191Cys) have been determined to be pathogenic (PMID: 25149867, 28053271). This suggests that this is a clinically significant region of the protein, and that variants that disrupt it are likely to be disease-causing. This variant has not been reported in the literature in individuals affected with EXOSC3-related conditions. This variant is not present in population databases (gnomAD no frequency). This sequence change creates a premature translational stop signal (p.Gly135Valfs*67) in the EXOSC3 gene. While this is not anticipated to result in nonsense mediated decay, it is expected to disrupt the last 141 amino acid(s) of the EXOSC3 protein.

Literature cited by the submitters: PubMed 25149867; PubMed 28053271.